The following is an entry in ClinVar:

NM_031407.7(HUWE1):c.7153G>A (p.Glu2385Lys)

Genes: HUWE1 (HECT, UBA and WWE domain containing E3 ubiquitin protein ligase 1; minus strand), LOC126863262 (MED14-independent group 3 enhancer GRCh37_chrX:53588722-53589921; plus strand). Cytogenetic location: Xp11.22.
Variant type: single nucleotide variant.
Coding change: c.7153G>A on transcript NM_031407.7 (MANE Select); coding-DNA position 7153, G replaced by A.
Protein change: p.Glu2385Lys; replaces glutamic acid 2385 with lysine.
Molecular consequence: missense variant.
Genome position (GRCh38, 1-based): chrX:53,562,882, C>T on the plus strand (G>A on the coding strand, the complement: HUWE1 is on the minus strand). VCF-style: chrX-53562882-C-T. GRCh37 (hg19) VCF-style: chrX-53589843-C-T.
Other names: short protein forms E2385K.
Identifiers: ClinVar variation 3765723 (VCV003765723.1).

ClinVar aggregate classification (germline): Uncertain significance (1 of 4 stars; one submission).

Submission:

Greenwood Genetic Center Diagnostic Laboratories, Greenwood Genetic Center
Classification: Uncertain significance. Last evaluated: 2024-10-24. Review status: criteria provided, single submitter. Criteria: ACMG Guidelines, 2015. Collection method: clinical testing. Allele origin: germline. Affected: yes.
Comment: PM2, BP4, PP2